The following is an entry in ClinVar:

NM_001330260.2(SCN8A):c.8C>T (p.Ala3Val)

Genes: SCN8A (sodium voltage-gated channel alpha subunit 8; plus strand), LOC114803470 (SCN8A eExon liver enhancer; plus strand). Cytogenetic location: 12q13.13.
Variant type: single nucleotide variant.
Coding change: c.8C>T on transcript NM_001330260.2 (MANE Select); coding-DNA position 8, C replaced by T.
Protein change: p.Ala3Val; replaces alanine 3 with valine.
Molecular consequence: missense variant.
Genome position (GRCh38, 1-based): chr12:51,662,825, C>T. VCF-style: chr12-51662825-C-T. GRCh37 (hg19) VCF-style: chr12-52056609-C-T.
Other names: c.8C>T, p.Ala3Val (NM_001177984.3, NM_001369788.1, NM_014191.4); short protein forms A3V.
Identifiers: ClinVar variation 461351 (VCV000461351.16), dbSNP rs758891499, ClinGen allele CA6570983.

ClinVar aggregate classification (germline): Uncertain significance. Review status: criteria provided, multiple submitters, no conflicts (2 of 4 stars). 2 submissions from 2 submitters: Uncertain significance (2). Last evaluated 2025-05-29.

Conditions:
Early-infantile DEE. Also called: Early infantile epileptic encephalopathy; Early infantile epileptic encephalopathy with suppression bursts; Ohtahara syndrome. Identifiers: Orphanet 1934, MedGen C0393706, MONDO:0800491.
Inborn genetic diseases. Identifiers: MedGen C0950123, MeSH D030342.

Allele frequency attached by ClinVar (database versions not stated): gnomAD 0.00001 and 0.00002; ExAC 0.00002; gnomAD exomes 0.00002; TOPMed 0.00002.
gnomAD v4.1: 22 of 1,613,542 alleles (0.0014%); highest among the groups gnomAD compares: Middle Eastern, 0.066%; no homozygotes.

Submissions (2):

Labcorp Genetics (formerly Invitae), Labcorp
Classification: Uncertain significance for Early-infantile DEE. Last evaluated: 2025-05-29. Review status: criteria provided, single submitter. Criteria: Invitae Variant Classification Sherloc (09022015). Collection method: clinical testing. Allele origin: germline.
Comment: This sequence change replaces alanine, which is neutral and non-polar, with valine, which is neutral and non-polar, at codon 3 of the SCN8A protein (p.Ala3Val). This variant is present in population databases (rs758891499, gnomAD 0.004%). This variant has not been reported in the literature in individuals affected with SCN8A-related conditions. ClinVar contains an entry for this variant (Variation ID: 461351). Invitae Evidence Modeling of protein sequence and biophysical properties (such as structural, functional, and spatial information, amino acid conservation, physicochemical variation, residue mobility, and thermodynamic stability) indicates that this missense variant is not expected to disrupt SCN8A protein function with a negative predictive value of 95%. In summary, the available evidence is currently insufficient to determine the role of this variant in disease. Therefore, it has been classified as a Variant of Uncertain Significance.

Ambry Genetics
Classification: Uncertain significance for Inborn genetic diseases. Last evaluated: 2017-02-16. Review status: criteria provided, single submitter. Criteria: Ambry Variant Classification Scheme 2023. Collection method: clinical testing. Allele origin: germline.
Comment: The p.A3V variant (also known as c.8C>T), located in coding exon 1 of the SCN8A gene, results from a C to T substitution at nucleotide position 8. The alanine at codon 3 is replaced by valine, an amino acid with similar properties. This amino acid position is well conserved in available vertebrate species. In addition, the in silico prediction for this alteration is inconclusive. Since supporting evidence is limited at this time, the clinical significance of this alteration remains unclear.